The following is an entry in ClinVar:

NM_015338.6(ASXL1):c.2125G>A (p.Ala709Thr)

Gene: ASXL1 (ASXL transcriptional regulator 1; plus strand). Cytogenetic location: 20q11.21.
Variant type: single nucleotide variant.
Coding change: c.2125G>A on transcript NM_015338.6 (MANE Select); coding-DNA position 2125, G replaced by A.
Protein change: p.Ala709Thr; replaces alanine 709 with threonine.
Molecular consequence: missense variant.
Genome position (GRCh38, 1-based): chr20:32,434,837, G>A. VCF-style: chr20-32434837-G-A. GRCh37 (hg19) VCF-style: chr20-31022640-G-A.
Other names: c.1942G>A, p.Ala648Thr (NM_001363734.1); short protein forms A648T, A709T.
Identifiers: ClinVar variation 3692729 (VCV003692729.2).

ClinVar aggregate classification (germline): Uncertain significance (1 of 4 stars; one submission).

gnomAD v4.1: 1 of 1,614,106 alleles (0.000062%); highest among the groups gnomAD compares: African/African-American, 0.0013%; no homozygotes.

Submission:

Labcorp Genetics (formerly Invitae), Labcorp
Classification: Uncertain significance. Last evaluated: 2024-03-18. Review status: criteria provided, single submitter. Criteria: Invitae Variant Classification Sherloc (09022015). Collection method: clinical testing. Allele origin: germline.
Comment: This sequence change replaces alanine, which is neutral and non-polar, with threonine, which is neutral and polar, at codon 709 of the ASXL1 protein (p.Ala709Thr). This variant is present in population databases (no rsID available, gnomAD 0.007%). This variant has not been reported in the literature in individuals affected with ASXL1-related conditions. Algorithms developed to predict the effect of missense changes on protein structure and function output the following: SIFT: "Not Available"; PolyPhen-2: "Benign"; Align-GVGD: "Not Available". The threonine amino acid residue is found in multiple mammalian species, which suggests that this missense change does not adversely affect protein function. In summary, the available evidence is currently insufficient to determine the role of this variant in disease. Therefore, it has been classified as a Variant of Uncertain Significance.